The following is an entry in ClinVar:

NM_001018113.3(FANCB):c.1393T>A (p.Ser465Thr)

Gene: FANCB (FA complementation group B; minus strand). Cytogenetic location: Xp22.2.
Variant type: single nucleotide variant.
Coding change: c.1393T>A on transcript NM_001018113.3 (MANE Select); coding-DNA position 1393, T replaced by A.
Protein change: p.Ser465Thr; replaces serine 465 with threonine.
Molecular consequence: missense variant.
Genome position (GRCh38, 1-based): chrX:14,850,608, A>T on the plus strand (T>A on the coding strand, the complement: FANCB is on the minus strand). VCF-style: chrX-14850608-A-T. GRCh37 (hg19) VCF-style: chrX-14868730-A-T.
Other names: c.1393T>A, p.Ser465Thr (NM_001324162.2, NM_001410764.1, NM_152633.4); short protein forms S465T.
Identifiers: ClinVar variation 2911521 (VCV002911521.3), dbSNP rs143976596, ClinGen allele CA412442190.
Genomic context (GRCh38, chrX:14,850,608, plus strand): 5'-CATCTATTACACGATACCATATCTTCTCTACTAGCTGTTCTGAATCTTGAAAATTGTCTG[A>T]TAACTTTTCATCTAAGATATGGACAGAATTTTCTTCTTCACCACAAAGAGGAACAAGACA-3'
Protein context (NP_001018123.1, residues 455-475): NSVHILDEKL[Ser465Thr]DNFQDSEQLV

ClinVar aggregate classification (germline): Uncertain significance (1 of 4 stars; one submission).

Conditions:
Fanconi anemia (FA). Also called: Fanconi's anemia. Identifiers: Orphanet 84, MedGen C0015625, MeSH D005199, MONDO:0019391.

gnomAD v4.1: 1 of 1,185,744 alleles (0.000084%); highest among the groups gnomAD compares: Non-Finnish European, 0.00011%; no homozygotes.

Submission:

Labcorp Genetics (formerly Invitae), Labcorp
Classification: Uncertain significance for Fanconi anemia. Last evaluated: 2024-02-01. Review status: criteria provided, single submitter. Criteria: Invitae Variant Classification Sherloc (09022015). Collection method: clinical testing. Allele origin: germline.
Comment: This sequence change replaces serine, which is neutral and polar, with threonine, which is neutral and polar, at codon 465 of the FANCB protein (p.Ser465Thr). This variant is not present in population databases (gnomAD no frequency). This variant has not been reported in the literature in individuals affected with FANCB-related conditions. Advanced modeling of protein sequence and biophysical properties (such as structural, functional, and spatial information, amino acid conservation, physicochemical variation, residue mobility, and thermodynamic stability) performed at Invitae indicates that this missense variant is not expected to disrupt FANCB protein function with a negative predictive value of 80%. In summary, the available evidence is currently insufficient to determine the role of this variant in disease. Therefore, it has been classified as a Variant of Uncertain Significance.